The following is an entry in ClinVar:

NM_020937.4(FANCM):c.4481G>A (p.Gly1494Asp)

Gene: FANCM (FA complementation group M; plus strand). Cytogenetic location: 14q21.2.
Variant type: single nucleotide variant.
Coding change: c.4481G>A on transcript NM_020937.4 (MANE Select); coding-DNA position 4481, G replaced by A.
Protein change: p.Gly1494Asp; replaces glycine 1494 with aspartic acid.
Molecular consequence: missense variant.
Genome position (GRCh38, 1-based): chr14:45,183,868, G>A. VCF-style: chr14-45183868-G-A. GRCh37 (hg19) VCF-style: chr14-45653071-G-A.
Other names: c.4403G>A, p.Gly1468Asp (NM_001308133.2); short protein forms G1468D, G1494D.
Identifiers: ClinVar variation 858184 (VCV000858184.9), dbSNP rs1889220204, ClinGen allele CA389607781.

ClinVar aggregate classification (germline): Uncertain significance (1 of 4 stars; one submission).

Conditions:
Fanconi anemia (FA). Also called: Fanconi's anemia. Identifiers: Orphanet 84, MedGen C0015625, MeSH D005199, MONDO:0019391.

Submission:

Labcorp Genetics (formerly Invitae), Labcorp
Classification: Uncertain significance for Fanconi anemia. Last evaluated: 2019-05-23. Review status: criteria provided, single submitter. Criteria: Invitae Variant Classification Sherloc (09022015). Collection method: clinical testing. Allele origin: germline.
Comment: This sequence change replaces glycine with aspartic acid at codon 1494 of the FANCM protein (p.Gly1494Asp). The glycine residue is weakly conserved and there is a moderate physicochemical difference between glycine and aspartic acid. This variant is not present in population databases (ExAC no frequency). This variant has not been reported in the literature in individuals with FANCM-related conditions. Algorithms developed to predict the effect of missense changes on protein structure and function output the following: SIFT: "Tolerated"; PolyPhen-2: "Benign"; Align-GVGD: "Class C0". The aspartic acid amino acid residue is found in multiple mammalian species, suggesting that this missense change does not adversely affect protein function. These predictions have not been confirmed by published functional studies and their clinical significance is uncertain. In summary, the available evidence is currently insufficient to determine the role of this variant in disease. Therefore, it has been classified as a Variant of Uncertain Significance.